The following is an entry in ClinVar:

ClinVar aggregate classification (germline): Conflicting classifications of pathogenicity. Review status: criteria provided, conflicting classifications (1 of 4 stars). 3 submissions from 3 submitters: Uncertain significance (1); Likely benign (2). Last evaluated 2023-03-23.

Conditions:
Hereditary cancer-predisposing syndrome. Also called: Tumor predisposition; Hereditary neoplastic syndrome; Neoplastic Syndromes, Hereditary; Hereditary Cancer Syndrome. Identifiers: Orphanet 140162, MedGen C0027672, MeSH D009386, MONDO:0015356.
Hereditary breast ovarian cancer syndrome. Also called: Hereditary breast and ovarian cancer syndrome (HBOC); Breast and ovarian cancer; BRCA1- and BRCA2-Associated Hereditary Breast and Ovarian Cancer; Hereditary breast and/or ovarian cancer syndrome; Hereditary breast and ovarian cancer syndrome; Hereditary breast and ovarian cancer. Identifiers: Orphanet 145, MedGen C0677776, MeSH D061325, MONDO:0003582. Disease mechanism: loss of function.

Submissions (3):

University of Washington Department of Laboratory Medicine, University of Washington
Classification: Likely benign for Hereditary cancer-predisposing syndrome. Last evaluated: 2023-03-23. Review status: criteria provided, single submitter. Criteria: Dines et al. (Genet Med. 2020). Collection method: curation. Allele origin: germline.
Comment: Missense variant in a coldspot region where missense variants are very unlikely to be pathogenic (PMID:31911673).

BRCA2 exon 10 coldspot. Reclassification based on statistical prior probability.

Labcorp Genetics (formerly Invitae), Labcorp
Classification: Uncertain significance for Hereditary breast ovarian cancer syndrome. Last evaluated: 2022-02-11. Review status: criteria provided, single submitter. Criteria: Invitae Variant Classification Sherloc (09022015). Collection method: clinical testing. Allele origin: germline.
Comment: This variant is not present in population databases (gnomAD no frequency). This variant has not been reported in the literature in individuals affected with BRCA2-related conditions. This sequence change replaces histidine, which is basic and polar, with asparagine, which is neutral and polar, at codon 334 of the BRCA2 protein (p.His334Asn). ClinVar contains an entry for this variant (Variation ID: 818245). Advanced modeling of protein sequence and biophysical properties (such as structural, functional, and spatial information, amino acid conservation, physicochemical variation, residue mobility, and thermodynamic stability) performed at Invitae indicates that this missense variant is not expected to disrupt BRCA2 protein function. In summary, the available evidence is currently insufficient to determine the role of this variant in disease. Therefore, it has been classified as a Variant of Uncertain Significance.

Ambry Genetics
Classification: Likely benign for Hereditary cancer-predisposing syndrome. Last evaluated: 2019-12-17. Review status: criteria provided, single submitter. Criteria: Ambry Variant Classification Scheme 2023. Collection method: clinical testing. Allele origin: germline.

NM_000059.4(BRCA2):c.1000C>A (p.His334Asn)

Gene: BRCA2 (BRCA2 DNA repair associated; plus strand). Cytogenetic location: 13q13.1.
Variant type: single nucleotide variant.
Coding change: c.1000C>A on transcript NM_000059.4 (MANE Select); coding-DNA position 1000, C replaced by A.
Protein change: p.His334Asn; replaces histidine 334 with asparagine.
Molecular consequence: missense variant.
Genome position (GRCh38, 1-based): chr13:32,332,478, C>A. VCF-style: chr13-32332478-C-A. GRCh37 (hg19) VCF-style: chr13-32906615-C-A.
Other names: short protein forms H334N.
Identifiers: ClinVar variation 818245 (VCV000818245.13), dbSNP rs1593891725, ClinGen allele CA387761044.